The following is an entry in ClinVar:

ClinVar aggregate classification (germline): Uncertain significance (1 of 4 stars; one submission).

Conditions:
EAST syndrome (SESAMES). Also called: SEIZURES, SENSORINEURAL DEAFNESS, ATAXIA, IMPAIRED INTELLECTUAL DEVELOPMENT, AND ELECTROLYTE IMBALANCE. Identifiers: Orphanet 199343, MedGen C2748572, MONDO:0013005, OMIM 612780.

gnomAD v4.1: 1 of 1,613,780 alleles (0.000062%); highest among the groups gnomAD compares: African/African-American, 0.0013%; no homozygotes.

Submission:

Labcorp Genetics (formerly Invitae), Labcorp
Classification: Uncertain significance for EAST syndrome. Last evaluated: 2024-09-03. Review status: criteria provided, single submitter. Criteria: Invitae Variant Classification Sherloc (09022015). Collection method: clinical testing. Allele origin: germline.
Comment: This sequence change replaces arginine, which is basic and polar, with proline, which is neutral and non-polar, at codon 271 of the KCNJ10 protein (p.Arg271Pro). This variant is not present in population databases (gnomAD no frequency). This variant has not been reported in the literature in individuals affected with KCNJ10-related conditions. Invitae Evidence Modeling of protein sequence and biophysical properties (such as structural, functional, and spatial information, amino acid conservation, physicochemical variation, residue mobility, and thermodynamic stability) indicates that this missense variant is not expected to disrupt KCNJ10 protein function with a negative predictive value of 80%. In summary, the available evidence is currently insufficient to determine the role of this variant in disease. Therefore, it has been classified as a Variant of Uncertain Significance.

NM_002241.5(KCNJ10):c.812G>C (p.Arg271Pro)

Gene: KCNJ10 (potassium inwardly rectifying channel subfamily J member 10; minus strand). Cytogenetic location: 1q23.2.
Variant type: single nucleotide variant.
Coding change: c.812G>C on transcript NM_002241.5 (MANE Select); coding-DNA position 812, G replaced by C.
Protein change: p.Arg271Pro; replaces arginine 271 with proline.
Molecular consequence: missense variant.
Genome position (GRCh38, 1-based): chr1:160,041,721, C>G on the plus strand (G>C on the coding strand, the complement: KCNJ10 is on the minus strand). VCF-style: chr1-160041721-C-G. GRCh37 (hg19) VCF-style: chr1-160011511-C-G.
Other names: short protein forms R271P.
Identifiers: ClinVar variation 3616311 (VCV003616311.2).